The following is an entry in ClinVar:

NM_012338.4(TSPAN12):c.688A>C (p.Ile230Leu)

Gene: TSPAN12 (tetraspanin 12; minus strand). Cytogenetic location: 7q31.31.
Variant type: single nucleotide variant.
Coding change: c.688A>C on transcript NM_012338.4 (MANE Select); coding-DNA position 688, A replaced by C.
Protein change: p.Ile230Leu; replaces isoleucine 230 with leucine.
Molecular consequence: missense variant.
Genome position (GRCh38, 1-based): chr7:120,788,822, T>G on the plus strand (A>C on the coding strand, the complement: TSPAN12 is on the minus strand). VCF-style: chr7-120788822-T-G. GRCh37 (hg19) VCF-style: chr7-120428876-T-G.
Other names: c.688A>C (NM_012338.3); short protein forms I230L.
Identifiers: ClinVar variation 1525828 (VCV001525828.9), dbSNP rs1020326760, ClinGen allele CA369133794.
Genomic context (GRCh38, chr7:120,788,822, plus strand): 5'-AATACAGAGCCCAGAGCAGAGTAATGGTGAGAATCATGGCCAGGATTTGTGTCACCCCAA[T>G]GGAGATTCCCAGAAACCTCAGCACCTGCAGTTGTTTGGTTCCTCTCAAAAAGGAATACAT-3'
Protein context (NP_036470.1, residues 220-240): LQVLRFLGIS[Ile230Leu]GVTQILAMIL

ClinVar aggregate classification (germline): Uncertain significance. Review status: criteria provided, multiple submitters, no conflicts (2 of 4 stars). 2 submissions from 2 submitters: Uncertain significance (2). Last evaluated 2022-08-22.

Conditions:
Inborn genetic diseases. Identifiers: MedGen C0950123, MeSH D030342.

Submissions (2):

Ambry Genetics
Classification: Uncertain significance for Inborn genetic diseases. Last evaluated: 2022-08-22. Review status: criteria provided, single submitter. Criteria: Ambry Variant Classification Scheme 2023. Collection method: clinical testing. Allele origin: germline.

Labcorp Genetics (formerly Invitae), Labcorp
Classification: Uncertain significance. Last evaluated: 2022-07-05. Review status: criteria provided, single submitter. Criteria: Invitae Variant Classification Sherloc (09022015). Collection method: clinical testing. Allele origin: germline.
Comment: In summary, the available evidence is currently insufficient to determine the role of this variant in disease. Therefore, it has been classified as a Variant of Uncertain Significance. Algorithms developed to predict the effect of missense changes on protein structure and function (SIFT, PolyPhen-2, Align-GVGD) all suggest that this variant is likely to be tolerated. ClinVar contains an entry for this variant (Variation ID: 1525828). This variant has not been reported in the literature in individuals affected with TSPAN12-related conditions. This variant is not present in population databases (gnomAD no frequency). This sequence change replaces isoleucine, which is neutral and non-polar, with leucine, which is neutral and non-polar, at codon 230 of the TSPAN12 protein (p.Ile230Leu).